The following is an entry in ClinVar:

ClinVar aggregate classification (germline): Likely benign (1 of 4 stars; one submission).

Conditions:
SEMA3B-related disorder. Also called: SEMA3B-related condition.

gnomAD v4.1: 3 of 1,612,398 alleles (0.00019%); highest among the groups gnomAD compares: African/African-American, 0.004%; no homozygotes.

Submission:

PreventionGenetics, part of Exact Sciences
Classification: Likely benign for SEMA3B-related condition. Last evaluated: 2025-12-26. Review status: criteria provided, single submitter. Criteria: ACMG Guidelines, 2015. Collection method: clinical testing. Allele origin: germline.
Comment: This variant is classified as likely benign based on ACMG/AMP sequence variant interpretation guidelines (Richards et al. 2015 PMID: 25741868, with internal and published modifications).

NM_001290060.2(SEMA3B):c.665-6G>T

Genes: MIR6872 (microRNA 6872; plus strand), SEMA3B (semaphorin 3B; plus strand), LOC129936787 (ATAC-STARR-seq lymphoblastoid active region 19897; plus strand). Cytogenetic location: 3p21.31.
Variant type: single nucleotide variant.
Coding change: c.665-6G>T on transcript NM_001290060.2 (MANE Select); 6 bases into the intron before coding-DNA position 665, G replaced by T.
Molecular consequence: intron variant. On other transcripts: non-coding transcript variant (2), 5 prime UTR variant (2).
Genome position (GRCh38, 1-based): chr3:50,273,292, G>T. VCF-style: chr3-50273292-G-T. GRCh37 (hg19) VCF-style: chr3-50310723-G-T.
Other names: c.-368G>T (NM_001290062.2); c.-242G>T (NM_001290063.2); c.665-6G>T (NM_001435958.1, NM_001435956.1, NM_001435957.1 and 3 more transcripts).
Identifiers: ClinVar variation 4998268 (VCV004998268.1).